The following is an entry in ClinVar:

NM_152383.5(DIS3L2):c.1507A>T (p.Ser503Cys)

Gene: DIS3L2 (DIS3 like 3'-5' exoribonuclease 2; plus strand). Cytogenetic location: 2q37.1.
Variant type: single nucleotide variant.
Coding change: c.1507A>T on transcript NM_152383.5 (MANE Select); coding-DNA position 1507, A replaced by T.
Protein change: p.Ser503Cys; replaces serine 503 with cysteine.
Molecular consequence: missense variant. On other transcripts: non-coding transcript variant (2).
Genome position (GRCh38, 1-based): chr2:232,263,288, A>T. VCF-style: chr2-232263288-A-T. GRCh37 (hg19) VCF-style: chr2-233127998-A-T.
Other names: c.1507A>T, p.Ser503Cys (NM_001257281.2); short protein forms S503C.
Identifiers: ClinVar variation 580791 (VCV000580791.8), dbSNP rs1388343144, ClinGen allele CA350975401.
Genomic context (GRCh38, chr2:232,263,288, plus strand): 5'-CGGACCATCATCCGCTCCTGCACCAAACTTAGCTACGAGCATGCACAGAGCATGATTGAA[A>T]GCCCAACTGAGAAAATCCCTGCGAAAGAGCTGCCCCCCATTTCCCCAGAGCATAGCAGCG-3'
Protein context (NP_689596.4, residues 493-513): SYEHAQSMIE[Ser503Cys]PTEKIPAKEL

ClinVar aggregate classification (germline): Uncertain significance (1 of 4 stars; one submission).

Conditions:
Perlman syndrome (PRLMNS). Identifiers: Orphanet 2849, MedGen C0796113, MONDO:0009965, OMIM 267000.

Allele frequency attached by ClinVar (database versions not stated): gnomAD exomes below 0.00001; gnomAD 0.00001; TOPMed 0.00001.
gnomAD v4.1: 3 of 1,614,112 alleles (0.00019%); highest among the groups gnomAD compares: Non-Finnish European, 0.00025%; no homozygotes.

Submission:

Labcorp Genetics (formerly Invitae), Labcorp
Classification: Uncertain significance for Perlman syndrome. Last evaluated: 2018-04-17. Review status: criteria provided, single submitter. Criteria: Invitae Variant Classification Sherloc (09022015). Collection method: clinical testing. Allele origin: germline.
Comment: In summary, the available evidence is currently insufficient to determine the role of this variant in disease. Therefore, it has been classified as a Variant of Uncertain Significance. Algorithms developed to predict the effect of missense changes on protein structure and function do not agree on the potential impact of this missense change (SIFT: "Deleterious"; PolyPhen-2: "Possibly Damaging"; Align-GVGD: "Class C0"). This variant has not been reported in the literature in individuals with DIS3L2-related disease. This variant is not present in population databases (ExAC no frequency). This sequence change replaces serine with cysteine at codon 503 of the DIS3L2 protein (p.Ser503Cys). The serine residue is weakly conserved and there is a moderate physicochemical difference between serine and cysteine.